The following is an entry in ClinVar:

NM_001376.5(DYNC1H1):c.827G>T (p.Ser276Ile)

Gene: DYNC1H1 (dynein cytoplasmic 1 heavy chain 1; plus strand). Cytogenetic location: 14q32.31.
Variant type: single nucleotide variant.
Coding change: c.827G>T on transcript NM_001376.5 (MANE Select); coding-DNA position 827, G replaced by T.
Protein change: p.Ser276Ile; replaces serine 276 with isoleucine.
Molecular consequence: missense variant.
Genome position (GRCh38, 1-based): chr14:101,980,416, G>T. VCF-style: chr14-101980416-G-T. GRCh37 (hg19) VCF-style: chr14-102446753-G-T.
Other names: short protein forms S276I.
Identifiers: ClinVar variation 1303555 (VCV001303555.2), dbSNP rs2141270170, ClinGen allele CA391009722.

ClinVar aggregate classification (germline): Uncertain significance (1 of 4 stars; one submission).

Submission:

GeneDx
Classification: Uncertain significance. Last evaluated: 2019-10-21. Review status: criteria provided, single submitter. Criteria: GeneDx Variant Classification Process June 2021. Collection method: clinical testing. Allele origin: germline. Affected: yes.
Comment: Not observed in large population cohorts (Lek et al., 2016); In silico analysis, which includes protein predictors and evolutionary conservation, supports a deleterious effect; Has not been previously published as pathogenic or benign to our knowledge